The following is an entry in ClinVar:

NM_017950.4(CCDC40):c.1679C>T (p.Thr560Met)

Gene: CCDC40 (coiled-coil domain 40 molecular ruler complex subunit; plus strand). Cytogenetic location: 17q25.3.
Variant type: single nucleotide variant.
Coding change: c.1679C>T on transcript NM_017950.4 (MANE Select); coding-DNA position 1679, C replaced by T.
Protein change: p.Thr560Met; replaces threonine 560 with methionine.
Molecular consequence: missense variant.
Genome position (GRCh38, 1-based): chr17:80,081,662, C>T. VCF-style: chr17-80081662-C-T. GRCh37 (hg19) VCF-style: chr17-78055461-C-T.
Other names: c.1679C>T, p.Thr560Met (NM_001243342.2); short protein forms T560M.
Identifiers: ClinVar variation 4797711 (VCV004797711.2).

ClinVar aggregate classification (germline): Uncertain significance. Review status: criteria provided, multiple submitters, no conflicts (2 of 4 stars). 2 submissions from 2 submitters: Uncertain significance (2). Last evaluated 2025-09-15.

Conditions:
Primary ciliary dyskinesia. Also called: Ciliary dyskinesia. Identifiers: Orphanet 244, MedGen C0008780, MONDO:0016575, HP:0012265.

gnomAD v4.1: 15 of 1,614,082 alleles (0.00093%); highest among the groups gnomAD compares: Admixed American, 0.0017%; 1 homozygote.

Submissions (2):

Labcorp Genetics (formerly Invitae), Labcorp
Classification: Uncertain significance for Primary ciliary dyskinesia. Last evaluated: 2025-09-15. Review status: criteria provided, single submitter. Criteria: Invitae Variant Classification Sherloc (09022015). Collection method: clinical testing. Allele origin: germline.
Comment: This sequence change replaces threonine, which is neutral and polar, with methionine, which is neutral and non-polar, at codon 560 of the CCDC40 protein (p.Thr560Met). This variant is present in population databases (rs779895005, gnomAD 0.004%), including at least one homozygous and/or hemizygous individual. This variant has not been reported in the literature in individuals affected with CCDC40-related conditions. Invitae Evidence Modeling of protein sequence and biophysical properties (such as structural, functional, and spatial information, amino acid conservation, physicochemical variation, residue mobility, and thermodynamic stability) indicates that this missense variant is not expected to disrupt CCDC40 protein function with a negative predictive value of 80%. In summary, the available evidence is currently insufficient to determine the role of this variant in disease. Therefore, it has been classified as a Variant of Uncertain Significance.

Blueprint Genetics
Classification: Uncertain significance. Last evaluated: 2023-11-06. Review status: criteria provided, single submitter. Criteria: ACMG Guidelines, 2015. Collection method: clinical testing. Allele origin: germline.